The following is an entry in ClinVar:

ClinVar aggregate classification (germline): Pathogenic. Review status: criteria provided, multiple submitters, no conflicts (2 of 4 stars). 8 submissions from 8 submitters: Pathogenic (5). 3 of the submissions do not count toward it. Last evaluated 2024-05-20.

Conditions:
Branchiootorenal syndrome 1. Also called: Branchio-Oto-Renal Syndrome 1. Identifiers: Orphanet 107, MedGen C4551702, MONDO:0007236, OMIM 113650.
EYA1-related disorders.
Melnick-Fraser syndrome (BOR). Also called: Branchiootorenal syndrome; Branchio-oto-renal syndrome; Branchiootorenal Syndrome (BORS). Identifiers: Orphanet 107, MedGen C0265234, MONDO:0007029.
Inborn genetic diseases. Identifiers: MedGen C0950123, MeSH D030342.

Submissions (8):

Blueprint Genetics
Classification: Pathogenic for EYA1-related disorders. Last evaluated: 2024-05-20. Review status: criteria provided, single submitter. Criteria: ACMG Guidelines, 2015. Collection method: clinical testing. Allele origin: germline. Affected: yes. Observed: 1 variant allele.

Institute of Human Genetics Munich, TUM University Hospital
Classification: Pathogenic for Branchiootorenal syndrome 1. Last evaluated: 2023-08-08. Review status: criteria provided, single submitter. Criteria: Classification criteria August 2017. Collection method: clinical testing. Allele origin: de novo. Inheritance: Autosomal dominant inheritance. Affected: yes. Observed: 1 variant allele.

Ambry Genetics
Classification: Pathogenic for Inborn genetic diseases. Last evaluated: 2022-12-14. Review status: criteria provided, single submitter. Criteria: Ambry Variant Classification Scheme 2023. Collection method: clinical testing. Allele origin: germline.
Comment: The c.880C>T (p.R294*) alteration, located in exon 10 (coding exon 8) of the EYA1 gene, consists of a C to T substitution at nucleotide position 880. This changes the amino acid from an arginine (R) to a stop codon at amino acid position 294. This alteration is expected to result in loss of function by premature protein truncation or nonsense-mediated mRNA decay. This variant was not reported in population-based cohorts in the Genome Aggregation Database (gnomAD). This alteration was detected in multiple individuals with branchio-oto-renal syndrome (Kumar, 1998; Krug, 2011; Unzaki, 2018). This variant was also determined to be the result of a de novo mutation or germline mosaicism in one individual from a cohort of patients with hearing loss (Wu, 2022). Based on the available evidence, this alteration is classified as pathogenic.

Labcorp Genetics (formerly Invitae), Labcorp
Classification: Pathogenic for Melnick-Fraser syndrome. Last evaluated: 2022-10-14. Review status: criteria provided, single submitter. Criteria: Invitae Variant Classification Sherloc (09022015). Collection method: clinical testing. Allele origin: germline.
Comment: This sequence change creates a premature translational stop signal (p.Arg294*) in the EYA1 gene. It is expected to result in an absent or disrupted protein product. Loss-of-function variants in EYA1 are known to be pathogenic (PMID: 10464653, 18220287). This variant is not present in population databases (gnomAD no frequency). For these reasons, this variant has been classified as Pathogenic. ClinVar contains an entry for this variant (Variation ID: 834788). This variant is also known as c.781C>T (p.Arg261X). This premature translational stop signal has been observed in individuals with clinical features of Branchio-oto-renal syndrome (PMID: 9603436, 21280147).

GeneDx
Classification: Pathogenic. Last evaluated: 2021-11-04. Review status: criteria provided, single submitter. Criteria: GeneDx Variant Classification Process June 2021. Collection method: clinical testing. Allele origin: germline. Affected: yes.
Comment: Nonsense variant predicted to result in protein truncation or nonsense mediated decay in a gene for which loss-of-function is a known mechanism of disease; Not observed in large population cohorts (Lek et al., 2016); This variant is associated with the following publications: (PMID: 9603436, 25525159, 18220287, 21280147)

Gharavi Laboratory, Columbia University
Classification: Likely pathogenic for Branchio-oto-renal syndrome. Last evaluated: 2024-11-05. Review status: no assertion criteria provided. Criteria: ACMG Guidelines, 2015. Collection method: case-control. Allele origin: germline. Affected: yes. Not counted in ClinVar's aggregate classification.

Genome Diagnostics Laboratory, Amsterdam University Medical Center
Classification: Pathogenic. Review status: no assertion criteria provided. Collection method: clinical testing. Allele origin: germline. Affected: yes. Study: VKGL Data-share Consensus. Not counted in ClinVar's aggregate classification.

Joint Genome Diagnostic Labs from Nijmegen and Maastricht, Radboudumc and MUMC+
Classification: Pathogenic. Review status: no assertion criteria provided. Collection method: clinical testing. Allele origin: germline. Affected: yes. Study: VKGL Data-share Consensus. Not counted in ClinVar's aggregate classification.

Literature cited by the submitters: PubMed 9603436 (cited by Ambry Genetics and Labcorp Genetics (formerly Invitae), Labcorp); PubMed 21280147 (cited by Ambry Genetics and Labcorp Genetics (formerly Invitae), Labcorp); PubMed 29500469 (cited by Ambry Genetics); PubMed 35982127 (cited by Ambry Genetics); PubMed 10464653 (cited by Labcorp Genetics (formerly Invitae), Labcorp); PubMed 18220287 (cited by Labcorp Genetics (formerly Invitae), Labcorp).

NM_000503.6(EYA1):c.880C>T (p.Arg294Ter)

Gene: EYA1 (EYA transcriptional coactivator and phosphatase 1; minus strand). Cytogenetic location: 8q13.3.
Variant type: single nucleotide variant.
Coding change: c.880C>T on transcript NM_000503.6 (MANE Select); coding-DNA position 880, C replaced by T.
Protein change: p.Arg294Ter; replaces arginine 294 with a stop codon.
Molecular consequence: nonsense.
Genome position (GRCh38, 1-based): chr8:71,271,844, G>A on the plus strand (C>T on the coding strand, the complement: EYA1 is on the minus strand). VCF-style: chr8-71271844-G-A. GRCh37 (hg19) VCF-style: chr8-72184079-G-A.
Other names: c.862C>T, p.Arg288Ter (NM_001288574.2); c.514C>T, p.Arg172Ter (NM_001288575.2); c.967C>T, p.Arg323Ter (NM_001370333.1); c.880C>T, p.Arg294Ter (NM_001370334.1, NM_001370335.1, NM_172058.4); c.949C>T, p.Arg317Ter (NM_001370336.1); c.952C>T, p.Arg318Ter (NM_172059.5); short protein forms R172*, R318*, R317*, R323*, R288*, R294*.
Identifiers: ClinVar variation 834788 (VCV000834788.21), dbSNP rs1816578250, ClinGen allele CA371469035.